The following is an entry in ClinVar:

NM_001254.4(CDC6):c.280C>T (p.Arg94Ter)

Gene: CDC6 (cell division cycle 6; plus strand). Cytogenetic location: 17q21.2.
Variant type: single nucleotide variant.
Coding change: c.280C>T on transcript NM_001254.4 (MANE Select); coding-DNA position 280, C replaced by T.
Protein change: p.Arg94Ter; replaces arginine 94 with a stop codon.
Molecular consequence: nonsense.
Genome position (GRCh38, 1-based): chr17:40,291,159, C>T. VCF-style: chr17-40291159-C-T. GRCh37 (hg19) VCF-style: chr17-38447411-C-T.
Other names: short protein forms R94*.
Identifiers: ClinVar variation 4780215 (VCV004780215.1).
Genomic context (GRCh38, chr17:40,291,159, plus strand): 5'-TCTCCACCAAAGCAAGGCAAGAAAGAGAATGGTCCCCCTCACTCACATACACTTAAGGGA[C>T]GAAGATTGGTATTTGACAATCAGCTGACAATTAAGTCTCCTAGCAAAAGAGAACTAGCCA-3'

ClinVar aggregate classification (germline): Uncertain significance (1 of 4 stars; one submission).

gnomAD v4.1: 10 of 1,613,966 alleles (0.00062%); highest among the groups gnomAD compares: African/African-American, 0.0013%; no homozygotes.

Submission:

Labcorp Genetics (formerly Invitae), Labcorp
Classification: Uncertain significance. Last evaluated: 2025-03-30. Review status: criteria provided, single submitter. Criteria: Invitae Variant Classification Sherloc (09022015). Collection method: clinical testing. Allele origin: germline.
Comment: This sequence change creates a premature translational stop signal (p.Arg94*) in the CDC6 gene. It is expected to result in an absent or disrupted protein product. However, the current clinical and genetic evidence is not sufficient to establish whether loss-of-function variants in CDC6 cause disease. This variant is present in population databases (no rsID available, gnomAD 0.004%). This variant has not been reported in the literature in individuals affected with CDC6-related conditions. In summary, the available evidence is currently insufficient to determine the role of this variant in disease. Therefore, it has been classified as a Variant of Uncertain Significance.